The following is an entry in ClinVar:

NM_001267550.2(TTN):c.100372del (p.Ile33458fs)

Genes: TTN (titin; minus strand), TTN-AS1 (TTN antisense RNA 1; plus strand). Cytogenetic location: 2q31.2.
Variant type: Deletion.
Coding change: c.100372del on transcript NM_001267550.2 (MANE Select); coding-DNA position 100372, one base deleted (A; older notation c.100372delA).
Protein change: p.Ile33458fs; shifts the reading frame from isoleucine 33458.
Molecular consequence: frameshift variant.
Genome position (GRCh38, 1-based): chr2:178,536,375, T deleted on the plus strand (A on the coding strand, the reverse complement: TTN is on the minus strand). VCF-style (leftmost placement, unchanged base first): chr2-178536374-AT-A. GRCh37 (hg19) VCF-style: chr2-179401101-AT-A.
Other names: c.95449del, p.Ile31817fs (NM_001256850.1); c.73177del, p.Ile24393fs (NM_003319.4); c.92668del, p.Ile30890fs (NM_133378.4); c.73552del, p.Ile24518fs (NM_133432.3); c.73753del, p.Ile24585fs (NM_133437.4); short protein forms I24393fs, I24518fs, I24585fs, I30890fs, I31817fs, I33458fs.
Identifiers: ClinVar variation 3766442 (VCV003766442.1).

ClinVar aggregate classification (germline): Likely pathogenic (1 of 4 stars; one submission).

Conditions:
Dilated cardiomyopathy 1G (CMD1G). Identifiers: Orphanet 154, MedGen C1858763, MONDO:0011400, OMIM 604145.

Submission:

Clinical Genomics Laboratory, Stanford Medicine
Classification: Likely pathogenic for Dilated cardiomyopathy 1G. Last evaluated: 2022-05-27. Review status: criteria provided, single submitter. Criteria: ACMG Guidelines, 2015. Collection method: clinical testing. Allele origin: germline. Inheritance: Autosomal dominant inheritance. Affected: yes. Observed: 1 variant allele, 1 heterozygote.
Comment: The p.Ile33458Leufs*10 variant in the TTN gene has not been previously reported in association with disease. This variant was absent from large population databases, including the Genome Aggregation Database. This variant results in a 1bp deletion, which causes a shift in the protein reading frame, leading to a premature termination codon 10 amino acids downstream. This variant leads to a premature stop codon in exon 357 of 363 exons, and is therefore predicted to undergo nonsense-mediated decay resulting in a truncated or absent protein. The p.Ile33458Leufs*10 variant is located in the A-band of the titin protein. Loss-of-function variants in the A-band have an established association with dilated cardiomyopathy (Morales et al., 2020). These data were assessed using the ACMG/AMP variant interpretation guidelines. In summary, there is sufficient evidence to classify the p.Ile33458Leufs*10 variant as likely pathogenic for dilated cardiomyopathy in an autosomal dominant manner based on the information above. [ACMG evidence codes used: PVS1_Strong; PM2]

Literature cited by the submitters: PubMed 32160020.